The following is an entry in ClinVar:

ClinVar aggregate classification (germline): Uncertain significance (1 of 4 stars; one submission).

Conditions:
Isolated microphthalmia 5. Also called: Posterior Microphthalmia with Retinitis Pigmentosa, Foveoschisis, and Optic Disc Drusen. Identifiers: Orphanet 251279, MedGen C1970236, MONDO:0012605, OMIM 611040.

Submission:

Labcorp Genetics (formerly Invitae), Labcorp
Classification: Uncertain significance for Isolated microphthalmia 5. Last evaluated: 2022-03-10. Review status: criteria provided, single submitter. Criteria: Invitae Variant Classification Sherloc (09022015). Collection method: clinical testing. Allele origin: germline.
Comment: This sequence change replaces leucine, which is neutral and non-polar, with phenylalanine, which is neutral and non-polar, at codon 110 of the MFRP protein (p.Leu110Phe). This variant is not present in population databases (gnomAD no frequency). This variant has not been reported in the literature in individuals affected with MFRP-related conditions. Algorithms developed to predict the effect of missense changes on protein structure and function output the following: SIFT: "Tolerated"; PolyPhen-2: "Benign"; Align-GVGD: "Class C0". The phenylalanine amino acid residue is found in multiple mammalian species, which suggests that this missense change does not adversely affect protein function. In summary, the available evidence is currently insufficient to determine the role of this variant in disease. Therefore, it has been classified as a Variant of Uncertain Significance.

NM_031433.4(MFRP):c.328C>T (p.Leu110Phe)

Genes: C1QTNF5 (C1q and TNF related 5; minus strand), MFRP (membrane frizzled-related protein; minus strand). Cytogenetic location: 11q23.3.
Variant type: single nucleotide variant.
Coding change: c.328C>T on transcript NM_031433.4 (MANE Select); coding-DNA position 328, C replaced by T.
Protein change: p.Leu110Phe; replaces leucine 110 with phenylalanine.
Molecular consequence: missense variant. On other transcripts: 5 prime UTR variant (1).
Genome position (GRCh38, 1-based): chr11:119,345,872, G>A on the plus strand (C>T on the coding strand, the complement: MFRP is on the minus strand). VCF-style: chr11-119345872-G-A. GRCh37 (hg19) VCF-style: chr11-119216582-G-A.
Other names: c.-2309C>T (NM_015645.5); short protein forms L110F.
Identifiers: ClinVar variation 2079118 (VCV002079118.4), dbSNP rs1950559866, ClinGen allele CA382978970.